The following is an entry in ClinVar:

ClinVar aggregate classification (germline): Likely pathogenic (0 of 4 stars; one submission).

Conditions:
Intellectual developmental disorder, X-linked, with panhypopituitarism. Also called: Intellectual disability, X-linked, with panhypopituitarism. Identifiers: MedGen C2678223, MONDO:0010252, OMIM 300123.

Submission:

Department of Clinical Genetics, Copenhagen University Hospital, Rigshospitalet
Classification: Likely pathogenic for Intellectual developmental disorder, X-linked, with panhypopituitarism. Last evaluated: 2017-10-02. Review status: no assertion criteria provided. Collection method: clinical testing. Allele origin: maternal. Inheritance: X-linked recessive inheritance. Affected: yes.
Comment: segregation fits - several affected males through healthy female carriers.

NM_005634.3(SOX3):c.449C>A (p.Ser150Tyr)

Gene: SOX3 (SRY-box transcription factor 3; minus strand). Cytogenetic location: Xq27.1.
Variant type: single nucleotide variant.
Coding change: c.449C>A on transcript NM_005634.3 (MANE Select); coding-DNA position 449, C replaced by A.
Protein change: p.Ser150Tyr; replaces serine 150 with tyrosine.
Molecular consequence: missense variant.
Genome position (GRCh38, 1-based): chrX:140,504,612, G>T on the plus strand (C>A on the coding strand, the complement: SOX3 is on the minus strand). VCF-style: chrX-140504612-G-T. GRCh37 (hg19) VCF-style: chrX-139586777-G-T.
Other names: short protein forms S150Y.
Identifiers: ClinVar variation 444006 (VCV000444006.4), dbSNP rs1556518231, ClinGen allele CA414478744.